The following is an entry in ClinVar:

NM_002834.5(PTPN11):c.692G>A (p.Arg231Gln)

Gene: PTPN11 (protein tyrosine phosphatase non-receptor type 11; plus strand). Cytogenetic location: 12q24.13.
Variant type: single nucleotide variant.
Coding change: c.692G>A on transcript NM_002834.5 (MANE Select); coding-DNA position 692, G replaced by A.
Protein change: p.Arg231Gln; replaces arginine 231 with glutamine.
Molecular consequence: missense variant.
Genome position (GRCh38, 1-based): chr12:112,455,999, G>A. VCF-style: chr12-112455999-G-A. GRCh37 (hg19) VCF-style: chr12-112893803-G-A.
Other names: c.692G>A, p.Arg231Gln (NM_001330437.2, NM_080601.3); c.689G>A, p.Arg230Gln (NM_001374625.1); short protein forms R230Q, R231Q.
Identifiers: ClinVar variation 2577713 (VCV002577713.3), dbSNP rs1223522089, ClinGen allele CA386784201.

ClinVar aggregate classification (germline): Uncertain significance. Review status: criteria provided, multiple submitters, no conflicts (2 of 4 stars). 2 submissions from 2 submitters: Uncertain significance (2). Last evaluated 2025-12-04.

Conditions:
Cardiovascular phenotype. Identifiers: MedGen CN230736.

Allele frequency attached by ClinVar (database versions not stated): TOPMed 0.00001; gnomAD exomes below 0.00001; gnomAD 0.00001.
gnomAD v4.1: 3 of 1,612,830 alleles (0.00019%); highest among the groups gnomAD compares: Non-Finnish European, 0.00025%; no homozygotes.

Submissions (2):

GeneDx
Classification: Uncertain significance. Last evaluated: 2025-12-04. Review status: criteria provided, single submitter. Criteria: GeneDx Variant Classification Process June 2021. Collection method: clinical testing. Allele origin: germline.
Comment: Not observed at significant frequency in large population cohorts (gnomAD); Missense variants in this gene are a common cause of disease and they are underrepresented in the general population; In silico analysis suggests that this missense variant does not alter protein structure/function; Has not been previously published as pathogenic or benign to our knowledge; This variant is associated with the following publications: (PMID: 29493581)

Ambry Genetics
Classification: Uncertain significance for Cardiovascular phenotype. Last evaluated: 2025-04-05. Review status: criteria provided, single submitter. Criteria: Ambry Variant Classification Scheme 2023. Collection method: clinical testing. Allele origin: germline.
Comment: The p.R231Q variant (also known as c.692G>A), located in coding exon 6 of the PTPN11 gene, results from a G to A substitution at nucleotide position 692. The arginine at codon 231 is replaced by glutamine, an amino acid with highly similar properties. This amino acid position is conserved. In addition, this alteration is predicted to be deleterious by in silico analysis. Based on the available evidence, the clinical significance of this variant remains unclear.